The following is an entry in ClinVar:

NM_004715.5(CTDP1):c.2381G>C (p.Ser794Thr)

Gene: CTDP1 (CTD phosphatase subunit 1; plus strand). Cytogenetic location: 18q23.
Variant type: single nucleotide variant.
Coding change: c.2381G>C on transcript NM_004715.5 (MANE Select); coding-DNA position 2381, G replaced by C.
Protein change: p.Ser794Thr; replaces serine 794 with threonine.
Molecular consequence: missense variant.
Genome position (GRCh38, 1-based): chr18:79,717,980, G>C. VCF-style: chr18-79717980-G-C. GRCh37 (hg19) VCF-style: chr18-77477980-G-C.
Other names: c.2024G>C, p.Ser675Thr (NM_001202504.1); c.2381G>C, p.Ser794Thr (NM_001318511.2, NM_048368.4); short protein forms S675T, S794T.
Identifiers: ClinVar variation 2069635 (VCV002069635.4), dbSNP rs531372802, ClinGen allele CA9010571.

ClinVar aggregate classification (germline): Uncertain significance. Review status: criteria provided, multiple submitters, no conflicts (2 of 4 stars). 2 submissions from 2 submitters: Uncertain significance (2). Last evaluated 2025-03-08.

Allele frequency attached by ClinVar (database versions not stated): gnomAD 0.00001; ExAC 0.00002; 1000 Genomes Project 0.00020; 1000 Genomes Project 30x 0.00031.
gnomAD v4.1: 3 of 1,613,464 alleles (0.00019%); highest among the groups gnomAD compares: East Asian, 0.0022%; no homozygotes.

Submissions (2):

Ambry Genetics
Classification: Uncertain significance. Last evaluated: 2025-03-08. Review status: criteria provided, single submitter. Criteria: Ambry Variant Classification Scheme 2023. Collection method: clinical testing. Allele origin: germline.

Labcorp Genetics (formerly Invitae), Labcorp
Classification: Uncertain significance. Last evaluated: 2022-07-11. Review status: criteria provided, single submitter. Criteria: Invitae Variant Classification Sherloc (09022015). Collection method: clinical testing. Allele origin: germline.
Comment: In summary, the available evidence is currently insufficient to determine the role of this variant in disease. Therefore, it has been classified as a Variant of Uncertain Significance. This sequence change replaces serine, which is neutral and polar, with threonine, which is neutral and polar, at codon 794 of the CTDP1 protein (p.Ser794Thr). This variant is present in population databases (rs531372802, gnomAD 0.006%). This variant has not been reported in the literature in individuals affected with CTDP1-related conditions. Algorithms developed to predict the effect of missense changes on protein structure and function (SIFT, PolyPhen-2, Align-GVGD) all suggest that this variant is likely to be tolerated.